The following is an entry in ClinVar:

ClinVar aggregate classification (germline): Conflicting classifications of pathogenicity. Review status: criteria provided, conflicting classifications (1 of 4 stars). 5 submissions from 5 submitters: Likely pathogenic (1); Uncertain significance (1); Benign (2); Likely benign (1). Last evaluated 2025-09-20.

Conditions:
Migraine, with or without aura, susceptibility to, 13. Also called: MIGRAINE WITH AURA, SUSCEPTIBILITY TO, 13. Identifiers: MedGen C4225479, MONDO:0013344, OMIM 613656.

Allele frequency attached by ClinVar (database versions not stated): ESP Exome Variant Server 0.00008; gnomAD 0.00013 and 0.00077; TOPMed 0.00040; gnomAD exomes 0.00149 and 0.00263; ExAC 0.00280; 1000 Genomes Project 0.00319; 1000 Genomes Project 30x 0.00328.

Submissions (5):

Labcorp Genetics (formerly Invitae), Labcorp
Classification: Benign. Last evaluated: 2025-09-20. Review status: criteria provided, single submitter. Criteria: Invitae Variant Classification Sherloc (09022015). Collection method: clinical testing. Allele origin: germline.

CeGaT Center for Human Genetics Tuebingen
Classification: Benign. Last evaluated: 2025-03-01. Review status: criteria provided, single submitter. Criteria: CeGaT Center For Human Genetics Tuebingen Variant Classification Criteria Version 2. Collection method: clinical testing. Allele origin: germline. Affected: yes. Observed: 1 variant allele.
Comment: KCNK18: BS1, BS2

Department of Pathology and Laboratory Medicine, Sinai Health System
Classification: Likely benign for migraine, with or without aura, susceptibility to, 13. Last evaluated: 2022-06-14. Review status: criteria provided, single submitter. Criteria: ACMG Guidelines, 2015. Collection method: research. Allele origin: germline.

Victorian Clinical Genetics Services, Murdoch Childrens Research Institute
Classification: Uncertain significance for Migraine, with or without aura, susceptibility to, 13. Last evaluated: 2020-05-21. Review status: criteria provided, single submitter. Criteria: ACMG Guidelines, 2015. Collection method: clinical testing. Allele origin: germline. Inheritance: Autosomal dominant inheritance.
Comment: A heterozygous duplication variant was identified, NM_181840.1(KCNK18):c.361dupT in exon 3 of 3 of the KCNK18 gene. This duplication is predicted to cause a frameshift from amino acid position 121 introducing a stop codon 44 residues downstream, NP_862823.1(KCNK18):p.(Tyr121Leufs*44), resulting in a truncated protein. The variant is present in the gnomAD population database at a frequency of 1.9% (561 heterozygotes, 11 homozygotes) in the South Asian subpopulation. It has been previously reported as likely pathogenic (ClinVar) and with questionable disease contribution (Gardiner, 2016). In addition, functional studies show that this variant produces a new isoform capable of repressing TREK1 and TREK2, however the mechanism of this activity is also questionable (Royal, P. et al. (2019)). There are no other downstream variants predicted to cause a truncated protein that have been reported as pathogenic in individuals with this condition (ClinVar). Based on information available at the time of curation, this variant has been classified as a VARIANT of UNCERTAIN SIGNIFICANCE (VUS).

Soonchunhyang University Bucheon Hospital, Soonchunhyang University Medical Center
Classification: Likely pathogenic for Migraine, with or without aura, susceptibility to, 13. Last evaluated: 2016-03-18. Review status: criteria provided, single submitter. Criteria: ACMG Guidelines, 2015. Collection method: reference population. Allele origin: germline. Observed: 2 variant alleles.

Literature cited by the submitters: PubMed 30573346 (cited by Victorian Clinical Genetics Services, Murdoch Childrens Research Institute); PubMed 20871611 (cited by Soonchunhyang University Bucheon Hospital, Soonchunhyang University Medical Center).

NM_181840.1(KCNK18):c.361dup (p.Tyr121fs)

Gene: KCNK18 (potassium two pore domain channel subfamily K member 18; plus strand). Cytogenetic location: 10q25.3.
Variant type: Duplication.
Coding change: c.361dup on transcript NM_181840.1 (MANE Select); coding-DNA position 361, one base duplicated (T; older notation c.361dupT).
Protein change: p.Tyr121fs; shifts the reading frame from tyrosine 121.
Molecular consequence: frameshift variant.
Genome position (GRCh38, 1-based): chr10:117,209,505, T duplicated. VCF-style (leftmost placement, unchanged base first): chr10-117209504-C-CT. GRCh37 (hg19) VCF-style: chr10-118969015-C-CT.
Other names: c.361dupT (NM_181840.1); short protein forms Y121fs.
Identifiers: ClinVar variation 225399 (VCV000225399.20), dbSNP rs541915908, ClinGen allele CA5709962.